The following is an entry in ClinVar:

NM_005188.4(CBL):c.523C>G (p.Gln175Glu)

Gene: CBL (Cbl proto-oncogene; plus strand). Cytogenetic location: 11q23.3.
Variant type: single nucleotide variant.
Coding change: c.523C>G on transcript NM_005188.4 (MANE Select); coding-DNA position 523, C replaced by G.
Protein change: p.Gln175Glu; replaces glutamine 175 with glutamic acid.
Molecular consequence: missense variant.
Genome position (GRCh38, 1-based): chr11:119,271,814, C>G. VCF-style: chr11-119271814-C-G. GRCh37 (hg19) VCF-style: chr11-119142524-C-G.
Other names: short protein forms Q175E.
Identifiers: ClinVar variation 4613850 (VCV004613850.2).

ClinVar aggregate classification (germline): Uncertain significance. Review status: criteria provided, multiple submitters, no conflicts (2 of 4 stars). 2 submissions from 2 submitters: Uncertain significance (2). Last evaluated 2025-10-26.

Conditions:
RASopathy. Also called: Noonan spectrum disorder; rasopathies. Identifiers: Orphanet 536391, MedGen C5555857, MONDO:0021060.
Cardiovascular phenotype. Identifiers: MedGen CN230736.

gnomAD v4.1: 5 of 1,613,912 alleles (0.00031%); highest among the groups gnomAD compares: South Asian, 0.0011%; no homozygotes.

Submissions (2):

Ambry Genetics
Classification: Uncertain significance for Cardiovascular phenotype. Last evaluated: 2025-10-26. Review status: criteria provided, single submitter. Criteria: Ambry Variant Classification Scheme 2023. Collection method: clinical testing. Allele origin: germline.
Comment: The p.Q175E variant (also known as c.523C>G), located in coding exon 3 of the CBL gene, results from a C to G substitution at nucleotide position 523. The glutamine at codon 175 is replaced by glutamic acid, an amino acid with highly similar properties. This amino acid position is conserved. In addition, this alteration is predicted to be deleterious by in silico analysis. Based on the available evidence, the clinical significance of this variant remains unclear.

Labcorp Genetics (formerly Invitae), Labcorp
Classification: Uncertain significance for RASopathy. Last evaluated: 2025-05-07. Review status: criteria provided, single submitter. Criteria: Invitae Variant Classification Sherloc (09022015). Collection method: clinical testing. Allele origin: germline.
Comment: This sequence change replaces glutamine, which is neutral and polar, with glutamic acid, which is acidic and polar, at codon 175 of the CBL protein (p.Gln175Glu). This variant is present in population databases (rs751238837, gnomAD 0.003%). This variant has not been reported in the literature in individuals affected with CBL-related conditions. Invitae Evidence Modeling of protein sequence and biophysical properties (such as structural, functional, and spatial information, amino acid conservation, physicochemical variation, residue mobility, and thermodynamic stability) indicates that this missense variant is not expected to disrupt CBL protein function with a negative predictive value of 95%. In summary, the available evidence is currently insufficient to determine the role of this variant in disease. Therefore, it has been classified as a Variant of Uncertain Significance.